The following is an entry in ClinVar:

ClinVar aggregate classification (germline): Uncertain significance (1 of 4 stars; one submission).

Allele frequency attached by ClinVar (database versions not stated): gnomAD 0.00001.
gnomAD v4.1: 16 of 1,613,638 alleles (0.00099%); highest among the groups gnomAD compares: Middle Eastern, 0.016%; no homozygotes.

Submission:

Labcorp Genetics (formerly Invitae), Labcorp
Classification: Uncertain significance. Last evaluated: 2023-10-09. Review status: criteria provided, single submitter. Criteria: Invitae Variant Classification Sherloc (09022015). Collection method: clinical testing. Allele origin: germline.
Comment: This sequence change replaces isoleucine, which is neutral and non-polar, with threonine, which is neutral and polar, at codon 732 of the NPAT protein (p.Ile732Thr). This variant is present in population databases (rs369845100, gnomAD 0.002%). This variant has not been reported in the literature in individuals affected with NPAT-related conditions. An algorithm developed to predict the effect of missense changes on protein structure and function (PolyPhen-2) suggests that this variant is likely to be tolerated. In summary, the available evidence is currently insufficient to determine the role of this variant in disease. Therefore, it has been classified as a Variant of Uncertain Significance.

NM_002519.3(NPAT):c.2195T>C (p.Ile732Thr)

Gene: NPAT (nuclear protein, coactivator of histone transcription; minus strand). Cytogenetic location: 11q22.3.
Variant type: single nucleotide variant.
Coding change: c.2195T>C on transcript NM_002519.3 (MANE Select); coding-DNA position 2195, T replaced by C.
Protein change: p.Ile732Thr; replaces isoleucine 732 with threonine.
Molecular consequence: missense variant.
Genome position (GRCh38, 1-based): chr11:108,172,789, A>G on the plus strand (T>C on the coding strand, the complement: NPAT is on the minus strand). VCF-style: chr11-108172789-A-G. GRCh37 (hg19) VCF-style: chr11-108043516-A-G.
Other names: c.2195T>C, p.Ile732Thr (NM_001321307.1); short protein forms I732T.
Identifiers: ClinVar variation 2917766 (VCV002917766.3), dbSNP rs369845100, ClinGen allele CA228383895.